The following is an entry in ClinVar:

ClinVar aggregate classification (germline): Pathogenic. Review status: criteria provided, multiple submitters, no conflicts (2 of 4 stars). 6 submissions from 6 submitters: Pathogenic (6). Last evaluated 2025-12-12.

Conditions:
Noonan syndrome and Noonan-related syndrome. Identifiers: Orphanet 98733, MedGen C5681679, MONDO:0020297.
Cardiovascular phenotype. Identifiers: MedGen CN230736.
RASopathy. Also called: rasopathies; Noonan spectrum disorder. Identifiers: Orphanet 536391, MedGen C5555857, MONDO:0021060.
Noonan syndrome 1 (NS1). Also called: TURNER PHENOTYPE WITH NORMAL KARYOTYPE; PTPN11-Related Noonan Syndrome; FEMALE PSEUDO-TURNER SYNDROME. Identifiers: Orphanet 648, MedGen C4551602, MONDO:0008104, OMIM 163950. Disease mechanism: gain of function.
Noonan syndrome with multiple lentigines. Identifiers: Orphanet 500, MedGen C0175704, MONDO:0007893.

Submissions (6):

Labcorp Genetics (formerly Invitae), Labcorp
Classification: Pathogenic for RASopathy. Last evaluated: 2025-12-12. Review status: criteria provided, single submitter. Criteria: Invitae Variant Classification Sherloc (09022015). Collection method: clinical testing. Allele origin: germline.
Comment: This sequence change replaces threonine, which is neutral and polar, with proline, which is neutral and non-polar, at codon 468 of the PTPN11 protein (p.Thr468Pro). This variant is not present in population databases (gnomAD no frequency). This missense change has been observed in individuals with Noonan Syndrome with Multiple Lentigines (NSML) (also known as LEOPARD syndrome) (PMID: 17927788, 25917897). ClinVar contains an entry for this variant (Variation ID: 40547). Invitae Evidence Modeling incorporating data from in vitro experimental studies (internal data) indicates that this missense variant is expected to disrupt PTPN11 function with a positive predictive value of 95%. Experimental studies have shown that this missense change affects PTPN11 function (PMID: 25917897). This variant disrupts the p.Thr468 amino acid residue in PTPN11. Other variant(s) that disrupt this residue have been determined to be pathogenic (PMID: 12058348, 16377799, 18372317). This suggests that this residue is clinically significant, and that variants that disrupt this residue are likely to be disease-causing. For these reasons, this variant has been classified as Pathogenic.

GeneDx
Classification: Pathogenic. Last evaluated: 2024-12-23. Review status: criteria provided, single submitter. Criteria: GeneDx Variant Classification Process June 2021. Collection method: clinical testing. Allele origin: germline. Affected: yes.
Comment: Published functional studies demonstrate that the variant may enhance melanin synthesis (PMID: 25917897); Not observed at significant frequency in large population cohorts (gnomAD); Missense variants in this gene are a common cause of disease and they are underrepresented in the general population; In silico analysis supports that this missense variant has a deleterious effect on protein structure/function; This variant is associated with the following publications: (PMID: 24803665, 30417923, 29493581, 38366647, 38540404, 25917897, 17927788)

Ambry Genetics
Classification: Pathogenic for Cardiovascular phenotype. Last evaluated: 2024-01-23. Review status: criteria provided, single submitter. Criteria: Ambry Variant Classification Scheme 2023. Collection method: clinical testing. Allele origin: germline.
Comment: The p.T468P pathogenic mutation (also known as c.1402A>C), located in coding exon 12 of the PTPN11 gene, results from an A to C substitution at nucleotide position 1402. The threonine at codon 468 is replaced by proline, an amino acid with highly similar properties. This mutation has been identified in individuals with Noonan syndrome with multiple lentigines, including a de novo occurrence (Seishima M, et al. Br. J. Dermatol. 2007 Dec; 157(6):1297-9; Motegi S, et al. Acta Derm. Venereol. 2015 Nov; 95(8):978-84). This variant is considered to be rare based on population cohorts in the Genome Aggregation Database (gnomAD). This amino acid position is highly conserved in available vertebrate species. In addition, this alteration is predicted to be deleterious by in silico analysis. Based on the supporting evidence, this variant is expected to be causative of PTPN11-related RASopathy; however, its clinical significance for metachondromatosis is unclear.

Women's Health and Genetics/Laboratory Corporation of America, LabCorp
Classification: Pathogenic for Noonan syndrome with multiple lentigines. Last evaluated: 2021-12-20. Review status: criteria provided, single submitter. Criteria: LabCorp Variant Classification Summary - May 2015. Collection method: clinical testing. Allele origin: germline.
Comment: Variant summary: PTPN11 c.1402A>C (p.Thr468Pro) results in a non-conservative amino acid change located in the Tyrosine-specific protein phosphatase, PTPase domain of the encoded protein sequence. Five of five in-silico tools predict a damaging effect of the variant on protein function. The variant was absent in 251186 control chromosomes. c.1402A>C has been reported in the literature in individuals affected with Leopard Syndrome (e.g. Limongelli_2007, Seishima_2007). These data indicate that the variant may be associated with disease. At least one publication reports experimental evidence evaluating an impact on protein function and showed that this variant increased melanin synthesis (Motegi_2015). Two clinical diagnostic laboratories have submitted clinical-significance assessments for this variant to ClinVar after 2014 without evidence for independent evaluation. Both laboratories classified the variant as pathogenic. Based on the evidence outlined above, the variant was classified as pathogenic.

Genome Diagnostics Laboratory, The Hospital for Sick Children
Classification: Pathogenic for Noonan syndrome and Noonan-related syndrome. Last evaluated: 2017-10-02. Review status: criteria provided, single submitter. Criteria: ACMG Guidelines, 2015. Collection method: clinical testing. Allele origin: germline. Affected: yes.

Clinical Genetics Service, Universitary Hospital 12 de Octubre
Classification: Pathogenic for Noonan syndrome 1. Review status: criteria provided, single submitter. Criteria: ACMG Guidelines, 2015. Collection method: clinical testing. Allele origin: germline. Affected: yes.

Literature cited by the submitters: PubMed 17927788 (cited by 3 submitters); PubMed 25917897 (cited by 3 submitters); PubMed 12058348 (cited by Labcorp Genetics (formerly Invitae), Labcorp); PubMed 16377799 (cited by Labcorp Genetics (formerly Invitae), Labcorp); PubMed 18372317 (cited by Labcorp Genetics (formerly Invitae), Labcorp); PubMed 17697839 (cited by Women's Health and Genetics/Laboratory Corporation of America, LabCorp).

NM_002834.5(PTPN11):c.1402A>C (p.Thr468Pro)

Gene: PTPN11 (protein tyrosine phosphatase non-receptor type 11; plus strand). Cytogenetic location: 12q24.13.
Variant type: single nucleotide variant.
Coding change: c.1402A>C on transcript NM_002834.5 (MANE Select); coding-DNA position 1402, A replaced by C.
Protein change: p.Thr468Pro; replaces threonine 468 with proline.
Molecular consequence: missense variant.
Genome position (GRCh38, 1-based): chr12:112,488,465, A>C. VCF-style: chr12-112488465-A-C. GRCh37 (hg19) VCF-style: chr12-112926269-A-C.
Other names: p.T468P:ACG>CCG; c.1414A>C, p.Thr472Pro (NM_001330437.2); c.1399A>C, p.Thr467Pro (NM_001374625.1); short protein forms T468P, T472P, T467P.
Identifiers: ClinVar variation 40547 (VCV000040547.19), dbSNP rs397507537, ClinGen allele CA282123.